The following is an entry in ClinVar:

ClinVar aggregate classification (germline): Conflicting classifications of pathogenicity. Review status: criteria provided, conflicting classifications (1 of 4 stars). 2 submissions from 2 submitters: Uncertain significance (1); Likely benign (1). Last evaluated 2025-05-15.

Conditions:
Hereditary cancer-predisposing syndrome. Also called: Neoplastic Syndromes, Hereditary; Tumor predisposition; Hereditary Cancer Syndrome; Hereditary neoplastic syndrome. Identifiers: Orphanet 140162, MedGen C0027672, MeSH D009386, MONDO:0015356.
Hereditary breast ovarian cancer syndrome. Also called: Hereditary breast and/or ovarian cancer syndrome; Hereditary breast and ovarian cancer syndrome; Breast and ovarian cancer; Hereditary breast and ovarian cancer; BRCA1- and BRCA2-Associated Hereditary Breast and Ovarian Cancer; Hereditary breast and ovarian cancer syndrome (HBOC). Identifiers: Orphanet 145, MedGen C0677776, MeSH D061325, MONDO:0003582. Disease mechanism: loss of function.

Submissions (2):

Ambry Genetics
Classification: Likely benign for Hereditary cancer-predisposing syndrome. Last evaluated: 2025-05-15. Review status: criteria provided, single submitter. Criteria: Ambry Variant Classification Scheme 2023. Collection method: clinical testing. Allele origin: germline.

Labcorp Genetics (formerly Invitae), Labcorp
Classification: Uncertain significance for Hereditary breast ovarian cancer syndrome. Last evaluated: 2024-05-02. Review status: criteria provided, single submitter. Criteria: Invitae Variant Classification Sherloc (09022015). Collection method: clinical testing. Allele origin: germline.
Comment: This sequence change replaces glutamic acid, which is acidic and polar, with lysine, which is basic and polar, at codon 2558 of the BRCA2 protein (p.Glu2558Lys). This variant is not present in population databases (gnomAD no frequency). This variant has not been reported in the literature in individuals affected with BRCA2-related conditions. ClinVar contains an entry for this variant (Variation ID: 1760080). Advanced modeling of protein sequence and biophysical properties (such as structural, functional, and spatial information, amino acid conservation, physicochemical variation, residue mobility, and thermodynamic stability) performed at Invitae indicates that this missense variant is not expected to disrupt BRCA2 protein function with a negative predictive value of 95%. In summary, the available evidence is currently insufficient to determine the role of this variant in disease. Therefore, it has been classified as a Variant of Uncertain Significance.

Literature cited by the submitters: PubMed 24884828 (cited by Ambry Genetics).

NM_000059.4(BRCA2):c.7672G>A (p.Glu2558Lys)

Gene: BRCA2 (BRCA2 DNA repair associated; plus strand). Cytogenetic location: 13q13.1.
Variant type: single nucleotide variant.
Coding change: c.7672G>A on transcript NM_000059.4 (MANE Select); coding-DNA position 7672, G replaced by A.
Protein change: p.Glu2558Lys; replaces glutamic acid 2558 with lysine.
Molecular consequence: missense variant.
Genome position (GRCh38, 1-based): chr13:32,357,796, G>A. VCF-style: chr13-32357796-G-A. GRCh37 (hg19) VCF-style: chr13-32931933-G-A.
Other names: c.7576G>A, p.Glu2526Lys (NM_001406719.1); c.7672G>A, p.Glu2558Lys (NM_001406720.1); c.2740G>A, p.Glu914Lys (NM_001406721.1); c.1255G>A, p.Glu419Lys (NM_001406722.1); short protein forms E2526K, E419K, E914K, E2558K.
Identifiers: ClinVar variation 1760080 (VCV001760080.5), dbSNP rs886037816, ClinGen allele CA387745055.
Genomic context (GRCh38, chr13:32,357,796, plus strand): 5'-GTGTAGCTGTATACGTATGGCGTTTCTAAACATTGCATAAAAATTAACAGCAAAAATGCA[G>A]AGTCTTTTCAGTTTCACACTGAAGATTATTTTGGTAAGGAAAGTTTATGGACTGGAAAAG-3'
Protein context (NP_000050.3, residues 2548-2568): HCIKINSKNA[Glu2558Lys]SFQFHTEDYF